The following is an entry in ClinVar:

ClinVar aggregate classification (germline): Pathogenic (1 of 4 stars; one submission).

Submission:

GeneDx
Classification: Pathogenic. Last evaluated: 2025-06-10. Review status: criteria provided, single submitter. Criteria: GeneDx Variant Classification Process June 2021. Collection method: clinical testing. Allele origin: germline. Affected: yes.
Comment: Occurs in the triple helical domain and replaces a glycine in a canonical Gly-X-Y repeat; missense substitution of a canonical glycine residue is expected to disrupt normal protein folding and function, and this is an established mechanism of disease (PMID: 34007986); Not observed at significant frequency in large population cohorts (gnomAD); In silico analysis supports that this missense variant has a deleterious effect on protein structure/function; Has not been previously published as pathogenic or benign to our knowledge; This variant is associated with the following publications: (PMID: 34007986)

NM_000089.4(COL1A2):c.2584G>A (p.Gly862Ser)

Gene: COL1A2 (collagen type I alpha 2 chain; plus strand). Cytogenetic location: 7q21.3.
Variant type: single nucleotide variant.
Coding change: c.2584G>A on transcript NM_000089.4 (MANE Select); coding-DNA position 2584, G replaced by A.
Protein change: p.Gly862Ser; replaces glycine 862 with serine.
Molecular consequence: missense variant.
Genome position (GRCh38, 1-based): chr7:94,424,354, G>A. VCF-style: chr7-94424354-G-A. GRCh37 (hg19) VCF-style: chr7-94053666-G-A.
Other names: short protein forms G862S.
Identifiers: ClinVar variation 452617 (VCV000452617.3), dbSNP rs1554398126, ClinGen allele CA368224212.